The following is an entry in ClinVar:

ClinVar aggregate classification (germline): Uncertain significance (1 of 4 stars; one submission).

Allele frequency attached by ClinVar (database versions not stated): gnomAD exomes below 0.00001; ESP Exome Variant Server 0.00008.
gnomAD v4.1: 8 of 1,613,360 alleles (0.0005%); highest among the groups gnomAD compares: African/African-American, 0.0013%; no homozygotes.

Submission:

Labcorp Genetics (formerly Invitae), Labcorp
Classification: Uncertain significance. Last evaluated: 2022-06-17. Review status: criteria provided, single submitter. Criteria: Invitae Variant Classification Sherloc (09022015). Collection method: clinical testing. Allele origin: germline.
Comment: This sequence change replaces leucine, which is neutral and non-polar, with tryptophan, which is neutral and slightly polar, at codon 764 of the RTTN protein (p.Leu764Trp). This variant is not present in population databases (gnomAD no frequency). This variant has not been reported in the literature in individuals affected with RTTN-related conditions. Algorithms developed to predict the effect of missense changes on protein structure and function are either unavailable or do not agree on the potential impact of this missense change (SIFT: "Deleterious"; PolyPhen-2: "Probably Damaging"; Align-GVGD: "Class C0"). In summary, the available evidence is currently insufficient to determine the role of this variant in disease. Therefore, it has been classified as a Variant of Uncertain Significance.

NM_173630.4(RTTN):c.2291T>G (p.Leu764Trp)

Gene: RTTN (rotatin; minus strand). Cytogenetic location: 18q22.2.
Variant type: single nucleotide variant.
Coding change: c.2291T>G on transcript NM_173630.4 (MANE Select); coding-DNA position 2291, T replaced by G.
Protein change: p.Leu764Trp; replaces leucine 764 with tryptophan.
Molecular consequence: missense variant. On other transcripts: 5 prime UTR variant (1).
Genome position (GRCh38, 1-based): chr18:70,148,919, A>C on the plus strand (T>G on the coding strand, the complement: RTTN is on the minus strand). VCF-style: chr18-70148919-A-C. GRCh37 (hg19) VCF-style: chr18-67816155-A-C.
Other names: c.-357T>G (NM_001318520.2); short protein forms L764W.
Identifiers: ClinVar variation 1944619 (VCV001944619.5), dbSNP rs376338760, ClinGen allele CA301925495.